The following is an entry in ClinVar:

ClinVar aggregate classification (germline): Uncertain significance (1 of 4 stars; one submission).

Conditions:
Developmental and epileptic encephalopathy, 54. Also called: Epileptic encephalopathy, early infantile, 54; HNRNPU-Related Neurodevelopmental Disorder. Identifiers: MedGen C4479319, MONDO:0033363, OMIM 617391.

Submission:

Labcorp Genetics (formerly Invitae), Labcorp
Classification: Uncertain significance for Developmental and epileptic encephalopathy, 54. Last evaluated: 2023-10-11. Review status: criteria provided, single submitter. Criteria: Invitae Variant Classification Sherloc (09022015). Collection method: clinical testing. Allele origin: germline.
Comment: This sequence change replaces tyrosine, which is neutral and polar, with histidine, which is basic and polar, at codon 802 of the HNRNPU protein (p.Tyr802His). This variant is not present in population databases (gnomAD no frequency). This variant has not been reported in the literature in individuals affected with HNRNPU-related conditions. Advanced modeling of protein sequence and biophysical properties (such as structural, functional, and spatial information, amino acid conservation, physicochemical variation, residue mobility, and thermodynamic stability) performed at Invitae indicates that this missense variant is expected to disrupt HNRNPU protein function. In summary, the available evidence is currently insufficient to determine the role of this variant in disease. Therefore, it has been classified as a Variant of Uncertain Significance.

NM_031844.3(HNRNPU):c.2404T>C (p.Tyr802His)

Gene: HNRNPU (heterogeneous nuclear ribonucleoprotein U; minus strand). Cytogenetic location: 1q44.
Variant type: single nucleotide variant.
Coding change: c.2404T>C on transcript NM_031844.3 (MANE Select); coding-DNA position 2404, T replaced by C.
Protein change: p.Tyr802His; replaces tyrosine 802 with histidine.
Molecular consequence: missense variant.
Genome position (GRCh38, 1-based): chr1:244,854,993, A>G on the plus strand (T>C on the coding strand, the complement: HNRNPU is on the minus strand). VCF-style: chr1-244854993-A-G. GRCh37 (hg19) VCF-style: chr1-245018295-A-G.
Other names: c.2347T>C, p.Tyr783His (NM_004501.3); short protein forms Y783H, Y802H.
Identifiers: ClinVar variation 2767630 (VCV002767630.3), dbSNP rs2527501138, ClinGen allele CA345486669.